The following is an entry in ClinVar:

ClinVar aggregate classification (germline): Uncertain significance (1 of 4 stars; one submission).

Submission:

GeneDx
Classification: Uncertain significance. Last evaluated: 2022-07-14. Review status: criteria provided, single submitter. Criteria: GeneDx Variant Classification Process June 2021. Collection method: clinical testing. Allele origin: germline. Affected: yes.
Comment: Not observed at significant frequency in large population cohorts (gnomAD); In silico analysis supports that this missense variant does not alter protein structure/function; Has not been previously published as pathogenic or benign to our knowledge; This variant is associated with the following publications: (PMID: 18409179)

NM_000489.6(ATRX):c.764C>T (p.Thr255Ile)

Gene: ATRX (ATRX chromatin remodeler; minus strand). Cytogenetic location: Xq21.1.
Variant type: single nucleotide variant.
Coding change: c.764C>T on transcript NM_000489.6 (MANE Select); coding-DNA position 764, C replaced by T.
Protein change: p.Thr255Ile; replaces threonine 255 with isoleucine.
Molecular consequence: missense variant.
Genome position (GRCh38, 1-based): chrX:77,684,492, G>A on the plus strand (C>T on the coding strand, the complement: ATRX is on the minus strand). VCF-style: chrX-77684492-G-A. GRCh37 (hg19) VCF-style: chrX-76939984-G-A.
Other names: c.650C>T, p.Thr217Ile (NM_138270.5); short protein forms T217I, T255I.
Identifiers: ClinVar variation 1878718 (VCV001878718.1), dbSNP rs2148638441, ClinGen allele CA413720716.